The following is an entry in ClinVar:

ClinVar aggregate classification (germline): Pathogenic (1 of 4 stars; one submission).

Submission:

Labcorp Genetics (formerly Invitae), Labcorp
Classification: Pathogenic. Last evaluated: 2023-04-25. Review status: criteria provided, single submitter. Criteria: Invitae Variant Classification Sherloc (09022015). Collection method: clinical testing. Allele origin: germline.
Comment: For these reasons, this variant has been classified as Pathogenic. A similar copy number variant has been observed in individual(s) with hypoparathyroidism (PMID: 11602629). This variant results in the deletion of exons 1-3 and part of exon 4 (c.-1936_580delins52) of the GCM2 gene. It is expected to result in an absent or disrupted protein product. Loss-of-function variants in GCM2 are known to be pathogenic (PMID: 20190276, 23155703).

Literature cited by the submitters: PubMed 11602629; PubMed 20190276; PubMed 23155703.

NC_000006.11:g.(?_10876126)_(10883962_?)del

Gene: GCM2 (glial cells missing transcription factor 2; minus strand). Cytogenetic location: 6p24.2.
Variant type: Deletion.
Identifiers: ClinVar variation 2425224 (VCV002425224.4).